The following is an entry in ClinVar:

NM_001626.6(AKT2):c.1052A>G (p.Tyr351Cys)

Gene: AKT2 (AKT serine/threonine kinase 2; minus strand). Cytogenetic location: 19q13.2.
Variant type: single nucleotide variant.
Coding change: c.1052A>G on transcript NM_001626.6 (MANE Select); coding-DNA position 1052, A replaced by G.
Protein change: p.Tyr351Cys; replaces tyrosine 351 with cysteine.
Molecular consequence: missense variant.
Genome position (GRCh38, 1-based): chr19:40,236,013, T>C on the plus strand (A>G on the coding strand, the complement: AKT2 is on the minus strand). VCF-style: chr19-40236013-T-C. GRCh37 (hg19) VCF-style: chr19-40741920-T-C.
Other names: c.866A>G, p.Tyr289Cys (NM_001243027.3, NM_001243028.3); c.923A>G, p.Tyr308Cys (NM_001330511.1); short protein forms Y289C, Y308C, Y351C.
Identifiers: ClinVar variation 1809721 (VCV001809721.1), dbSNP rs1020231672, ClinGen allele CA308376415.

ClinVar aggregate classification (germline): Uncertain significance (1 of 4 stars; one submission).

Allele frequency attached by ClinVar (database versions not stated): gnomAD exomes below 0.00001; gnomAD 0.00001; TOPMed 0.00001.

Submission:

Athena Diagnostics
Classification: Uncertain significance. Last evaluated: 2020-05-19. Review status: criteria provided, single submitter. Criteria: Athena Diagnostics Criteria. Collection method: clinical testing. Allele origin: unknown.
Comment: This observation is not an independent occurrence and has been identified in the same individual by RCIGM, the other laboratory participating in the GEMINI study.